The following is an entry in ClinVar:

NM_007129.5(ZIC2):c.1346G>A (p.Ser449Asn)

Gene: ZIC2 (Zic family member 2; plus strand). Cytogenetic location: 13q32.3.
Variant type: single nucleotide variant.
Coding change: c.1346G>A on transcript NM_007129.5 (MANE Select); coding-DNA position 1346, G replaced by A.
Protein change: p.Ser449Asn; replaces serine 449 with asparagine.
Molecular consequence: missense variant.
Genome position (GRCh38, 1-based): chr13:99,985,429, G>A. VCF-style: chr13-99985429-G-A. GRCh37 (hg19) VCF-style: chr13-100637683-G-A.
Other names: short protein forms S449N.
Identifiers: ClinVar variation 3252494 (VCV003252494.1), dbSNP rs1288964962.
Genomic context (GRCh38, chr13:99,985,429, plus strand): 5'-GCTCCGGCTATGAGTCGTCCACGCCCCCGGGGCTGGTGTCCCCCAGCGCCGAGCCCCAGA[G>A]CAGCTCCAACCTGTCCCCAGCGGCGGCGGCAGCGGCGGCGGCGGCTGCGGCGGCGGCGGC-3'
Protein context (NP_009060.2, residues 439-459): GLVSPSAEPQ[Ser449Asn]SSNLSPAAAA

ClinVar aggregate classification (germline): Uncertain significance (1 of 4 stars; one submission).

Allele frequency attached by ClinVar (database versions not stated): gnomAD exomes below 0.00001; gnomAD 0.00001; TOPMed 0.00001.

Submission:

GeneDx
Classification: Uncertain significance. Last evaluated: 2023-12-07. Review status: criteria provided, single submitter. Criteria: GeneDx Variant Classification Process June 2021. Collection method: clinical testing. Allele origin: germline. Affected: yes.
Comment: Not observed at significant frequency in large population cohorts (gnomAD); In silico analysis supports that this missense variant does not alter protein structure/function; Has not been previously published as pathogenic or benign to our knowledge